The following is an entry in ClinVar:

ClinVar aggregate classification (germline): Uncertain significance (1 of 4 stars; one submission).

gnomAD v4.1: 3 of 1,562,398 alleles (0.00019%); highest among the groups gnomAD compares: Non-Finnish European, 0.00017%; no homozygotes.

Submission:

Labcorp Genetics (formerly Invitae), Labcorp
Classification: Uncertain significance. Last evaluated: 2022-09-27. Review status: criteria provided, single submitter. Criteria: Invitae Variant Classification Sherloc (09022015). Collection method: clinical testing. Allele origin: germline.
Comment: This sequence change replaces isoleucine, which is neutral and non-polar, with methionine, which is neutral and non-polar, at codon 2690 of the CDH23 protein (p.Ile2690Met). This variant is not present in population databases (gnomAD no frequency). This variant has not been reported in the literature in individuals affected with CDH23-related conditions. ClinVar contains an entry for this variant (Variation ID: 1425276). Advanced modeling of protein sequence and biophysical properties (such as structural, functional, and spatial information, amino acid conservation, physicochemical variation, residue mobility, and thermodynamic stability) performed at Invitae indicates that this missense variant is not expected to disrupt CDH23 protein function. In summary, the available evidence is currently insufficient to determine the role of this variant in disease. Therefore, it has been classified as a Variant of Uncertain Significance.

NM_022124.6(CDH23):c.8070C>G (p.Ile2690Met)

Gene: CDH23 (cadherin related 23; plus strand). Cytogenetic location: 10q22.1.
Variant type: single nucleotide variant.
Coding change: c.8070C>G on transcript NM_022124.6 (MANE Select); coding-DNA position 8070, C replaced by G.
Protein change: p.Ile2690Met; replaces isoleucine 2690 with methionine.
Molecular consequence: missense variant.
Genome position (GRCh38, 1-based): chr10:71,806,173, C>G. VCF-style: chr10-71806173-C-G. GRCh37 (hg19) VCF-style: chr10-73565930-C-G.
Other names: c.1350C>G, p.Ile450Met (NM_001171933.1, NM_001171934.1); short protein forms I450M, I2690M.
Identifiers: ClinVar variation 1425276 (VCV001425276.3), dbSNP rs941177596, ClinGen allele CA209474376.
Genomic context (GRCh38, chr10:71,806,173, plus strand): 5'-CCAAGCCAATCCCCTCTCCCAGTCTTTTCCTCTGACTGTGCTCTTCCGCTCCTAGCTCAT[C>G]TTGGTGGCCAGCGACCTGGGCCAGCCAGTGCCATACGAGACTATGCAGCCGCTGCAGGTG-3'
Protein context (NP_071407.4, residues 2680-2700): DRESQAVYSL[Ile2690Met]LVASDLGQPV